The following is an entry in ClinVar:

NM_032383.5(HPS3):c.851_855del (p.Arg284fs)

Gene: HPS3 (HPS3 biogenesis of lysosomal organelles complex 2 subunit 1; plus strand). Cytogenetic location: 3q24.
Variant type: Deletion.
Coding change: c.851_855del on transcript NM_032383.5 (MANE Select); coding-DNA positions 851 to 855, 5 bases deleted (GAAAA; older notation c.851_855delGAAAA).
Protein change: p.Arg284fs; shifts the reading frame from arginine 284.
Molecular consequence: frameshift variant.
Genome position (GRCh38, 1-based): chr3:149,141,155-149,141,159, GAAAA deleted; deleting any 5 consecutive bases within chr3:149,141,151-149,141,159 gives the same sequence; the c. name uses the placement nearest the transcript's 3' end. VCF-style (leftmost placement, unchanged base first): chr3-149141150-AAAAAG-A. GRCh37 (hg19) VCF-style: chr3-148858937-AAAAAG-A.
Other names: c.356_360del, p.Arg119fs (NM_001308258.2); short protein forms R119fs, R284fs.
Identifiers: ClinVar variation 5014397 (VCV005014397.1).

ClinVar aggregate classification (germline): Pathogenic (1 of 4 stars; one submission).

Conditions:
Hermansky-Pudlak syndrome 3 (HPS3). Identifiers: Orphanet 231512, Orphanet 79430, MedGen C3888001, MONDO:0013555, OMIM 614072.

Submission:

Myriad Genetics, Inc.
Classification: Pathogenic for Hermansky-Pudlak syndrome 3. Last evaluated: 2024-05-14. Review status: criteria provided, single submitter. Criteria: Myriad Autosomal Dominant, Autosomal Recessive and X-Linked Classification Criteria (2023). Collection method: clinical testing. Allele origin: unknown.
Comment: NM_032383.3(HPS3):c.851_855del5(R284Ifs*10) is expected to be pathogenic in the context of Hermansky-Pudlak syndrome, HPS3-related. This variant is predicted to lead to an abnormal or absent protein product due to the creation of a premature termination codon in HPS3, a gene where loss-of-function variants are known to be pathogenic. Please note: this variant was assessed in the context of healthy population screening.